The following is an entry in ClinVar:

NM_020347.4(LZTFL1):c.65G>A (p.Arg22His)

Gene: LZTFL1 (leucine zipper transcription factor like 1; minus strand). Cytogenetic location: 3p21.31.
Variant type: single nucleotide variant.
Coding change: c.65G>A on transcript NM_020347.4 (MANE Select); coding-DNA position 65, G replaced by A.
Protein change: p.Arg22His; replaces arginine 22 with histidine.
Molecular consequence: missense variant. On other transcripts: intron variant (1).
Genome position (GRCh38, 1-based): chr3:45,837,990, C>T on the plus strand (G>A on the coding strand, the complement: LZTFL1 is on the minus strand). VCF-style: chr3-45837990-C-T. GRCh37 (hg19) VCF-style: chr3-45879482-C-T.
Other names: c.65G>A (NM_020347.3); c.14G>A, p.Arg5His (NM_001276378.2, NM_001386451.1, NM_001405922.1 and 4 more transcripts); c.65G>A, p.Arg22His (NM_001386452.1, NM_001405924.1); c.89G>A, p.Arg30His (NM_001405920.1, NM_001405925.1); c.117-2206G>A (NM_001276379.2); short protein forms R30H, R22H, R5H.
Identifiers: ClinVar variation 1940103 (VCV001940103.6), dbSNP rs199559779, ClinGen allele CA2352020.

ClinVar aggregate classification (germline): Uncertain significance. Review status: criteria provided, multiple submitters, no conflicts (2 of 4 stars). 2 submissions from 2 submitters: Uncertain significance (2). Last evaluated 2025-07-24.

Conditions:
LZTFL1-related disorder. Also called: LZTFL1-related condition.

Allele frequency attached by ClinVar (database versions not stated): TOPMed 0.00004; gnomAD 0.00005; ESP Exome Variant Server 0.00008.
gnomAD v4.1: 28 of 1,613,502 alleles (0.0017%); highest among the groups gnomAD compares: African/African-American, 0.017%; no homozygotes.

Submissions (2):

PreventionGenetics, part of Exact Sciences
Classification: Uncertain significance for LZTFL1-related condition. Last evaluated: 2025-07-24. Review status: criteria provided, single submitter. Criteria: ACMG Guidelines, 2015. Collection method: clinical testing. Allele origin: germline.
Comment: The LZTFL1 c.65G>A variant is predicted to result in the amino acid substitution p.Arg22His. To our knowledge, this variant has not been reported in the literature. This variant is reported in 0.031% of alleles in individuals of African descent in gnomAD. At this time, the clinical significance of this variant is uncertain due to the absence of conclusive functional and genetic evidence.

Labcorp Genetics (formerly Invitae), Labcorp
Classification: Uncertain significance. Last evaluated: 2022-09-23. Review status: criteria provided, single submitter. Criteria: Invitae Variant Classification Sherloc (09022015). Collection method: clinical testing. Allele origin: germline.
Comment: Advanced modeling of protein sequence and biophysical properties (such as structural, functional, and spatial information, amino acid conservation, physicochemical variation, residue mobility, and thermodynamic stability) performed at Invitae indicates that this missense variant is not expected to disrupt LZTFL1 protein function. This sequence change replaces arginine, which is basic and polar, with histidine, which is basic and polar, at codon 22 of the LZTFL1 protein (p.Arg22His). This variant is present in population databases (rs199559779, gnomAD 0.03%). This variant has not been reported in the literature in individuals affected with LZTFL1-related conditions. In summary, the available evidence is currently insufficient to determine the role of this variant in disease. Therefore, it has been classified as a Variant of Uncertain Significance.